The following is an entry in ClinVar:

NM_000368.5(TSC1):c.2083_2084del (p.Leu695fs)

Gene: TSC1 (TSC complex subunit 1; minus strand). Cytogenetic location: 9q34.13.
Variant type: Deletion.
Coding change: c.2083_2084del on transcript NM_000368.5 (MANE Select); coding-DNA positions 2083 to 2084, 2 bases deleted (TT; older notation c.2083_2084delTT).
Protein change: p.Leu695fs; shifts the reading frame from leucine 695.
Molecular consequence: frameshift variant. On other transcripts: non-coding transcript variant (4).
Genome position (GRCh38, 1-based): chr9:132,903,775-132,903,776, AA deleted on the plus strand (TT on the coding strand, the reverse complement: TSC1 is on the minus strand). VCF-style (leftmost placement, unchanged base first): chr9-132903774-CAA-C. GRCh37 (hg19) VCF-style: chr9-135779161-CAA-C.
Other names: c.2080_2081del, p.Leu694fs (NM_001162426.2, NM_001406608.1, NM_001406609.1 and 4 more transcripts); c.1930_1931del, p.Leu644fs (NM_001162427.2, NM_001406610.1); c.1720_1721del, p.Leu574fs (NM_001362177.2, NM_001406614.1, NM_001406615.1 and 5 more transcripts); c.2083_2084del, p.Leu695fs (NM_001406592.1, NM_001406593.1, NM_001406594.1 and 5 more transcripts); c.1927_1928del, p.Leu643fs (NM_001406611.1, NM_001406612.1, NM_001406613.1); c.1717_1718del, p.Leu573fs (NM_001406625.1, NM_001406620.1, NM_001406621.1 and 2 more transcripts); c.1132_1133del, p.Leu378fs (NM_001406626.1); c.1129_1130del, p.Leu377fs (NM_001406627.1, NM_001406628.1); and 3 more; short protein forms L344fs, L377fs, L378fs, L573fs, L574fs, L643fs, L644fs, L689fs.
Identifiers: ClinVar variation 5018630 (VCV005018630.1).

ClinVar aggregate classification (germline): Pathogenic (1 of 4 stars; one submission).

Conditions:
Lymphangiomyomatosis (LAM). Also called: Lymphangioleiomyomatosis; Lymphangioleiomyomatosis, somatic. Identifiers: Orphanet 538, MedGen C0751674, MONDO:0011705, OMIM 606690.
Isolated focal cortical dysplasia type II (FCORD2). Also called: CORTICAL DYSPLASIA OF TAYLOR; Focal cortical dysplasia type II. Identifiers: Orphanet 268994, MedGen C1846385, MONDO:0011818, OMIM 607341, HP:0032051.
Tuberous sclerosis 1 (TSC1). Identifiers: Orphanet 805, MedGen C1854465, MONDO:0008612, OMIM 191100.

Submission:

Juno Genomics, Hangzhou Juno Genomics, Inc
Classification: Pathogenic for Tuberous sclerosis 1; Isolated focal cortical dysplasia type II; Lymphangiomyomatosis. Review status: criteria provided, single submitter. Criteria: ACMG Guidelines, 2015. Collection method: clinical testing. Allele origin: germline. Affected: yes.
Comment: Absent from controls (or at extremely low frequency if recessive) in Genome Aggregation Database.;Null variant in a gene where loss of function (LOF) is a known mechanism of disease.;De novo (both maternity and paternity confirmed) in a patient with the disease and no family history.